The following is an entry in ClinVar:

ClinVar aggregate classification (germline): Pathogenic (1 of 4 stars; one submission).

Conditions:
Congenital lactic acidosis, Saguenay-Lac-Saint-Jean type (MC4DN5). Also called: CYTOCHROME c OXIDASE DEFICIENCY, FRENCH CANADIAN TYPE; COX DEFICIENCY, FRENCH CANADIAN TYPE; MITOCHONDRIAL COMPLEX IV DEFICIENCY, NUCLEAR TYPE 5. Identifiers: Orphanet 70472, MedGen C1857355, MONDO:0009069, OMIM 220111.

Submission:

Myriad Genetics, Inc.
Classification: Pathogenic for Congenital lactic acidosis, Saguenay-Lac-Saint-Jean type. Last evaluated: 2025-07-29. Review status: criteria provided, single submitter. Criteria: Myriad Autosomal Dominant, Autosomal Recessive and X-Linked Classification Criteria (2023). Collection method: clinical testing. Allele origin: unknown.
Comment: NM_133259.3(LRPPRC):c.4054_4057delGATG(D1352Ifs*4) is a frameshift variant classified as pathogenic in the context of Leigh syndrome, French-Canadian type. D1352Ifs*4 has not been observed in cases with relevant disease. Relevant functional assessments of this variant are not available in the literature. D1352Ifs*4 has not been observed in referenced population frequency databases. In summary, NM_133259.3(LRPPRC):c.4054_4057delGATG(D1352Ifs*4) is a frameshift in a gene where loss of function is a known mechanism of disease and is predicted to disrupt protein function. Please note: this variant was assessed in the context of healthy population screening.

NM_133259.4(LRPPRC):c.4054_4057del (p.Asp1352fs)

Gene: LRPPRC (leucine rich pentatricopeptide repeat containing; minus strand). Cytogenetic location: 2p21.
Variant type: Deletion.
Coding change: c.4054_4057del on transcript NM_133259.4 (MANE Select); coding-DNA positions 4054 to 4057, 4 bases deleted (GATG; older notation c.4054_4057delGATG).
Protein change: p.Asp1352fs; shifts the reading frame from aspartic acid 1352.
Molecular consequence: frameshift variant.
Genome position (GRCh38, 1-based): chr2:43,889,805-43,889,808, CATC deleted on the plus strand (GATG on the coding strand, the reverse complement: LRPPRC is on the minus strand); deleting any 4 consecutive bases within chr2:43,889,805-43,889,810 gives the same sequence; the c. name uses the placement nearest the transcript's 3' end. VCF-style (leftmost placement, unchanged base first): chr2-43889804-TCATC-T. GRCh37 (hg19) VCF-style: chr2-44116943-TCATC-T.
Other names: short protein forms D1352fs.
Identifiers: ClinVar variation 5004086 (VCV005004086.1).
Genomic context (GRCh38, chr2:43,889,804, plus strand): 5'-ATGAAAGGGACAGGCTCTCCAGCATACTTCAGCAAAGATGCGTAACGCTTTAGAAACAGA[TCATC>T]CAATTTTGTATTCTTTGCAGTCAAATGTTCATACAGTGCTTTAGCAGATGTGACATCTTT-3'